The following is an entry in ClinVar:

ClinVar aggregate classification (germline): Uncertain significance (1 of 4 stars; one submission).

Submission:

Labcorp Genetics (formerly Invitae), Labcorp
Classification: Uncertain significance. Last evaluated: 2023-05-15. Review status: criteria provided, single submitter. Criteria: Invitae Variant Classification Sherloc (09022015). Collection method: clinical testing. Allele origin: germline.
Comment: In summary, the available evidence is currently insufficient to determine the role of this variant in disease. Therefore, it has been classified as a Variant of Uncertain Significance. Variants that disrupt the consensus splice site are a relatively common cause of aberrant splicing (PMID: 17576681, 9536098). Algorithms developed to predict the effect of sequence changes on RNA splicing suggest that this variant may create or strengthen a splice site. This variant has not been reported in the literature in individuals affected with CDHR1-related conditions. This variant is not present in population databases (gnomAD no frequency). This sequence change falls in intron 3 of the CDHR1 gene. It does not directly change the encoded amino acid sequence of the CDHR1 protein. It affects a nucleotide within the consensus splice site.

Literature cited by the submitters: PubMed 17576681; PubMed 9536098.

NM_033100.4(CDHR1):c.298-3_298-2del

Gene: CDHR1 (cadherin related family member 1; plus strand). Cytogenetic location: 10q23.1.
Variant type: Microsatellite.
Coding change: c.298-3_298-2del on transcript NM_033100.4 (MANE Select); 3 bases into the intron before coding-DNA position 298 through the canonical splice acceptor site of the intron before coding-DNA position 298, 2 bases deleted (CA; older notation c.298-3_298-2delCA).
Molecular consequence: splice acceptor variant.
Genome position (GRCh38, 1-based): chr10:84,197,783-84,197,784, CA deleted; deleting any 2 consecutive bases within chr10:84,197,781-84,197,784 gives the same sequence; the c. name uses the placement nearest the transcript's 3' end. VCF-style (leftmost placement, unchanged base first): chr10-84197780-TCA-T. GRCh37 (hg19) VCF-style: chr10-85957536-TCA-T.
Other names: c.298-3_298-2del (NM_001171971.3).
Identifiers: ClinVar variation 2004785 (VCV002004785.4), dbSNP rs2492471295, ClinGen allele CA2580615527.